The following is an entry in ClinVar:

ClinVar aggregate classification (germline): Uncertain significance (1 of 4 stars; one submission).

Submission:

Labcorp Genetics (formerly Invitae), Labcorp
Classification: Uncertain significance. Last evaluated: 2022-03-28. Review status: criteria provided, single submitter. Criteria: Invitae Variant Classification Sherloc (09022015). Collection method: clinical testing. Allele origin: germline.
Comment: In summary, the available evidence is currently insufficient to determine the role of this variant in disease. Therefore, it has been classified as a Variant of Uncertain Significance. Experimental studies and prediction algorithms are not available or were not evaluated, and the functional significance of this variant is currently unknown. This variant has not been reported in the literature in individuals affected with PLD1-related conditions. This variant results in a copy number gain of the genomic region encompassing exon(s) 12-21 of the PLD1 gene. While the exact position of this variant cannot be determined from the data, sub-genic copy number gains are generally in tandem (PMID: 25640679). This variant is predicted to be in-frame, and likely preserves the integrity of the reading frame.

Literature cited by the submitters: PubMed 25640679.

NC_000003.11:g.(?_171376983)_(171417636_?)dup

Gene: PLD1 (phospholipase D1; minus strand). Cytogenetic location: 3q26.31.
Variant type: Duplication.
Identifiers: ClinVar variation 2424514 (VCV002424514.4).